The following is an entry in ClinVar:

NM_001009944.3(PKD1):c.5756T>C (p.Phe1919Ser)

Gene: PKD1 (polycystin 1, transient receptor potential channel interacting; minus strand). Cytogenetic location: 16p13.3.
Variant type: single nucleotide variant.
Coding change: c.5756T>C on transcript NM_001009944.3 (MANE Select); coding-DNA position 5756, T replaced by C.
Protein change: p.Phe1919Ser; replaces phenylalanine 1919 with serine.
Molecular consequence: missense variant.
Genome position (GRCh38, 1-based): chr16:2,109,411, A>G on the plus strand (T>C on the coding strand, the complement: PKD1 is on the minus strand). VCF-style: chr16-2109411-A-G. GRCh37 (hg19) VCF-style: chr16-2159412-A-G.
Other names: c.5756T>C, p.Phe1919Ser (NM_000296.4); short protein forms F1919S.
Identifiers: ClinVar variation 3066262 (VCV003066262.1), dbSNP rs2544809840, ClinGen allele CA394375644.
Genomic context (GRCh38, chr16:2,109,411, plus strand): 5'-CTGTGGGAGAAACGGGGCCCGGGGAGCACCTCGGGGTTGGCCCCGCCGACCTGCAGGCGG[A>G]AGGTGACAGCTGAGCCGGCAGCCAGCAGGATCTGAAAATGGACCAGCTGCCCGGGCGCCA-3'
Protein context (NP_001009944.3, residues 1909-1929): ILLAAGSAVT[Phe1919Ser]RLQVGGANPE

ClinVar aggregate classification (germline): Uncertain significance (1 of 4 stars; one submission).

Conditions:
Polycystic kidney disease, adult type (PKD1). Also called: Polycystic Kidney, Autosomal Dominant; POLYCYSTIC KIDNEY DISEASE 1 WITH OR WITHOUT POLYCYSTIC LIVER DISEASE; Polycystic Kidney Disease 1, Autosomal Dominant; Polycystic kidney disease 1; Polycystic kidney disease 1, severe; POLYCYSTIC KIDNEY DISEASE, ADULT, TYPE I. Identifiers: MedGen C3149841, MONDO:0008263, OMIM 173900.

Submission:

MVZ Medizinische Genetik Mainz
Classification: Uncertain significance for Polycystic kidney disease, adult type. Last evaluated: 2023-01-09. Review status: criteria provided, single submitter. Criteria: UK Practice Guidelines For Variant Classification V4 01 2020. Collection method: clinical testing. Allele origin: germline. Inheritance: Autosomal dominant inheritance. Affected: yes. Observed: 1 variant allele.
Comment: ACMG Criteria: PM2_SUP